The following is an entry in ClinVar:

ClinVar aggregate classification (germline): Likely benign. Review status: criteria provided, multiple submitters, no conflicts (2 of 4 stars). 4 submissions from 4 submitters: Likely benign (3). 1 of the submissions does not count toward it. Last evaluated 2026-02-02.

Conditions:
Neuronal ceroid lipofuscinosis. Also called: Neuronal Ceroid Lipofuscinoses. Identifiers: Orphanet 216, Orphanet 79263, MedGen C0027877, MONDO:0016295. Disease mechanism: loss of function.
CLN6-related disorder. Also called: CLN6-related condition.

Allele frequency attached by ClinVar (database versions not stated): ExAC 0.00001; gnomAD 0.00001; gnomAD exomes 0.00001 and 0.00004; TOPMed 0.00001; 1000 Genomes Project 30x 0.00016; 1000 Genomes Project 0.00020.
gnomAD v4.1: 59 of 1,614,172 alleles (0.0037%); highest among the groups gnomAD compares: Non-Finnish European, 0.0049%; no homozygotes.

Submissions (4):

Labcorp Genetics (formerly Invitae), Labcorp
Classification: Likely benign for Neuronal ceroid lipofuscinosis. Last evaluated: 2026-02-02. Review status: criteria provided, single submitter. Criteria: Invitae Variant Classification Sherloc (09022015). Collection method: clinical testing. Allele origin: germline.

Blueprint Genetics
Classification: Likely benign. Last evaluated: 2024-05-16. Review status: criteria provided, single submitter. Criteria: ACMG Guidelines, 2015. Collection method: clinical testing. Allele origin: germline.

GeneDx
Classification: Likely benign. Last evaluated: 2016-05-20. Review status: criteria provided, single submitter. Criteria: GeneDx Variant Classification (06012015). Collection method: clinical testing. Allele origin: germline. Affected: yes.
Comment: This variant is considered likely benign or benign based on one or more of the following criteria: it is a conservative change, it occurs at a poorly conserved position in the protein, it is predicted to be benign by multiple in silico algorithms, and/or has population frequency not consistent with disease.

PreventionGenetics, part of Exact Sciences
Classification: Likely benign for CLN6-related condition. Last evaluated: 2024-08-15. Review status: no assertion criteria provided. Collection method: clinical testing. Allele origin: germline. Not counted in ClinVar's aggregate classification.
Comment: This variant is classified as likely benign based on ACMG/AMP sequence variant interpretation guidelines (Richards et al. 2015 PMID: 25741868, with internal and published modifications).

NM_017882.3(CLN6):c.810C>G (p.Leu270=)

Gene: CLN6 (CLN6 transmembrane ER protein; minus strand). Cytogenetic location: 15q23.
Variant type: single nucleotide variant.
Coding change: c.810C>G on transcript NM_017882.3 (MANE Select); coding-DNA position 810, C replaced by G.
Protein change: p.Leu270=; no amino-acid change (leucine 270 retained).
Molecular consequence: synonymous variant.
Genome position (GRCh38, 1-based): chr15:68,208,266, G>C on the plus strand (C>G on the coding strand, the complement: CLN6 is on the minus strand). VCF-style: chr15-68208266-G-C. GRCh37 (hg19) VCF-style: chr15-68500604-G-C.
Identifiers: ClinVar variation 377696 (VCV000377696.12), dbSNP rs183399390, ClinGen allele CA7630467.